The following is an entry in ClinVar:

ClinVar aggregate classification (germline): Benign/Likely benign. Review status: criteria provided, multiple submitters, no conflicts (2 of 4 stars). 5 submissions from 5 submitters: Benign (3); Likely benign (2). Last evaluated 2021-07-01.

Conditions:
Medium-chain acyl-coenzyme A dehydrogenase deficiency (ACADMD). Also called: MCAD Deficiency; ACADM DEFICIENCY; MCADD; Medium chain acyl-CoA dehydrogenase deficiency; CARNITINE DEFICIENCY SECONDARY TO MEDIUM-CHAIN ACYL-CoA DEHYDROGENASE DEFICIENCY; MCADH DEFICIENCY. Identifiers: Orphanet 42, MedGen C0220710, MONDO:0008721, OMIM 201450.

Allele frequency attached by ClinVar (database versions not stated): gnomAD exomes 0.03548; 1000 Genomes Project 0.03674; TOPMed 0.03710; 1000 Genomes Project 30x 0.03716; ExAC 0.03762; ESP Exome Variant Server 0.03826; gnomAD 0.03869 and 0.04004.
gnomAD v4.1: 46,840 of 1,288,190 alleles (3.6%); highest among the groups gnomAD compares: Middle Eastern, 5.8%; 1,030 homozygotes.

Submissions (5):

Genome-Nilou Lab
Classification: Benign for Medium-chain acyl-coenzyme A dehydrogenase deficiency. Last evaluated: 2021-07-01. Review status: criteria provided, single submitter. Criteria: ACMG Guidelines, 2015. Collection method: clinical testing. Allele origin: germline. Affected: no.

Illumina Laboratory Services, Illumina
Classification: Benign for Medium-chain acyl-coenzyme A dehydrogenase deficiency. Last evaluated: 2018-01-13. Review status: criteria provided, single submitter. Criteria: ICSL Variant Classification Criteria 13 December 2019. Collection method: clinical testing. Allele origin: germline.
Comment: This variant was observed in the ICSL laboratory as part of a predisposition screen in an ostensibly healthy population. It had not been previously curated by ICSL or reported in the Human Gene Mutation Database (HGMD: prior to June 1st, 2018), and was therefore a candidate for classification through an automated scoring system. Utilizing variant allele frequency, disease prevalence and penetrance estimates, and inheritance mode, an automated score was calculated to assess if this variant is too frequent to cause the disease. Based on the score and internal cut-off values, a variant classified as benign is not then subjected to further curation. The score for this variant resulted in a classification of benign for this disease.

ARUP Laboratories, Molecular Genetics and Genomics, ARUP Laboratories
Classification: Benign for Medium-chain acyl-coenzyme A dehydrogenase deficiency. Last evaluated: 2015-02-20. Review status: criteria provided, single submitter. Criteria: ACMG Guidelines, 2015. Collection method: clinical testing. Allele origin: germline. Inheritance: Autosomal recessive inheritance. Observed: 5 heterozygotes.

Breakthrough Genomics
Classification: Likely benign. Review status: criteria provided, single submitter. Criteria: ACMG Guidelines, 2015. Collection method: not provided. Allele origin: germline. Inheritance: Autosomal recessive inheritance. Affected: yes.

PreventionGenetics, part of Exact Sciences
Classification: Likely benign. Review status: criteria provided, single submitter. Criteria: ACMG Guidelines, 2015. Collection method: clinical testing. Allele origin: germline.

NM_000016.6(ACADM):c.*39G>A

Gene: ACADM (acyl-CoA dehydrogenase medium chain; plus strand). Cytogenetic location: 1p31.1.
Variant type: single nucleotide variant.
Coding change: c.*39G>A on transcript NM_000016.6 (MANE Select); 39 bases downstream of the stop codon, G replaced by A.
Molecular consequence: 3 prime UTR variant.
Genome position (GRCh38, 1-based): chr1:75,762,802, G>A. VCF-style: chr1-75762802-G-A. GRCh37 (hg19) VCF-style: chr1-76228487-G-A.
Other names: c.*39G>A (NM_001127328.3, NM_001286042.2, NM_001286043.2 and 1 more transcripts).
Identifiers: ClinVar variation 226105 (VCV000226105.16), dbSNP rs17848065, ClinGen allele CA913338.